The following is an entry in ClinVar:

NM_002076.4(GNS):c.986A>G (p.Tyr329Cys)

Gene: GNS (glucosamine (N-acetyl)-6-sulfatase; minus strand). Cytogenetic location: 12q14.3.
Variant type: single nucleotide variant.
Coding change: c.986A>G on transcript NM_002076.4 (MANE Select); coding-DNA position 986, A replaced by G.
Protein change: p.Tyr329Cys; replaces tyrosine 329 with cysteine.
Molecular consequence: missense variant.
Genome position (GRCh38, 1-based): chr12:64,739,389, T>C on the plus strand (A>G on the coding strand, the complement: GNS is on the minus strand). VCF-style: chr12-64739389-T-C. GRCh37 (hg19) VCF-style: chr12-65133169-T-C.
Other names: short protein forms Y329C.
Identifiers: ClinVar variation 1513762 (VCV001513762.3), dbSNP rs1338188022, ClinGen allele CA385607492.

ClinVar aggregate classification (germline): Uncertain significance (1 of 4 stars; one submission).

Conditions:
Mucopolysaccharidosis, MPS-III-D (MPS3D). Also called: N-ACETYLGLUCOSAMINE-6-SULFATASE DEFICIENCY; SANFILIPPO SYNDROME D; MPS III D; Mucopoly-saccharidosis type 3D; N-acetylglucosamine-6-sulfate sulfatase deficiency; MPS 3D. Identifiers: Orphanet 581, Orphanet 79272, MedGen C0086650, MONDO:0009658, OMIM 252940.

Allele frequency attached by ClinVar (database versions not stated): gnomAD exomes below 0.00001.
gnomAD v4.1: 3 of 1,481,666 alleles (0.0002%); highest among the groups gnomAD compares: Non-Finnish European, 0.00028%; no homozygotes.

Submission:

Labcorp Genetics (formerly Invitae), Labcorp
Classification: Uncertain significance for Mucopolysaccharidosis, MPS-III-D. Last evaluated: 2021-11-06. Review status: criteria provided, single submitter. Criteria: Invitae Variant Classification Sherloc (09022015). Collection method: clinical testing. Allele origin: germline.
Comment: This sequence change replaces tyrosine, which is neutral and polar, with cysteine, which is neutral and slightly polar, at codon 329 of the GNS protein (p.Tyr329Cys). This variant is present in population databases (no rsID available, gnomAD 0.0009%). This variant has not been reported in the literature in individuals affected with GNS-related conditions. Algorithms developed to predict the effect of missense changes on protein structure and function (SIFT, PolyPhen-2, Align-GVGD) all suggest that this variant is likely to be disruptive. In summary, the available evidence is currently insufficient to determine the role of this variant in disease. Therefore, it has been classified as a Variant of Uncertain Significance.